The following is an entry in ClinVar:

ClinVar aggregate classification (germline): Uncertain significance. Review status: criteria provided, multiple submitters, no conflicts (2 of 4 stars). 2 submissions from 2 submitters: Uncertain significance (2). Last evaluated 2024-04-16.

Conditions:
Long QT syndrome (LQTS). Identifiers: MedGen C0023976, MeSH D008133, MONDO:0002442. Disease mechanism: loss of function. Inheritance: Various modes of inheritance.
Cardiovascular phenotype. Identifiers: MedGen CN230736.

Submissions (2):

All of Us Research Program, National Institutes of Health
Classification: Uncertain significance for Long QT syndrome. Last evaluated: 2024-04-16. Review status: criteria provided, single submitter. Criteria: ACMG Guidelines, 2015. Collection method: clinical testing. Allele origin: germline. Inheritance: Autosomal dominant inheritance. Observed: 1 variant allele, 1 heterozygote.
Comment: This missense variant replaces leucine with serine at codon 889 of the KCNH2 protein. Computational prediction is inconclusive regarding the impact of this variant on protein structure and function (internally defined REVEL score threshold 0.5 < inconclusive < 0.7, PMID: 27666373). To our knowledge, functional studies have not been reported for this variant. This variant has not been reported in individuals affected with KCNH2-related disorders in the literature. This variant has not been identified in the general population by the Genome Aggregation Database (gnomAD). The available evidence is insufficient to determine the role of this variant in disease conclusively. Therefore, this variant is classified as a Variant of Uncertain Significance.

This study involves interpretation of variants in research participants for the purpose of population health screening. Participant phenotype was not available at the time of variant classification. Additional details can be found in publication PMID: 35346344, PMCID: PMC8962531

Ambry Genetics
Classification: Uncertain significance for Cardiovascular phenotype. Last evaluated: 2023-06-04. Review status: criteria provided, single submitter. Criteria: Ambry Variant Classification Scheme 2023. Collection method: clinical testing. Allele origin: germline.
Comment: The p.L889S variant (also known as c.2666T>C), located in coding exon 11 of the KCNH2 gene, results from a T to C substitution at nucleotide position 2666. The leucine at codon 889 is replaced by serine, an amino acid with dissimilar properties. This amino acid position is highly conserved in available vertebrate species. In addition, this alteration is predicted to be deleterious by in silico analysis. Since supporting evidence is limited at this time, the clinical significance of this alteration remains unclear.

NM_000238.4(KCNH2):c.2666T>C (p.Leu889Ser)

Gene: KCNH2 (potassium voltage-gated channel subfamily H member 2; minus strand). Cytogenetic location: 7q36.1.
Variant type: single nucleotide variant.
Coding change: c.2666T>C on transcript NM_000238.4 (MANE Select); coding-DNA position 2666, T replaced by C.
Protein change: p.Leu889Ser; replaces leucine 889 with serine.
Molecular consequence: missense variant. On other transcripts: non-coding transcript variant (2).
Genome position (GRCh38, 1-based): chr7:150,948,470, A>G on the plus strand (T>C on the coding strand, the complement: KCNH2 is on the minus strand). VCF-style: chr7-150948470-A-G. GRCh37 (hg19) VCF-style: chr7-150645558-A-G.
Other names: c.2378T>C, p.Leu793Ser (NM_001406753.1); c.1646T>C, p.Leu549Ser (NM_172057.3); short protein forms L549S, L889S, L793S.
Identifiers: ClinVar variation 2567294 (VCV002567294.3), dbSNP rs2486012207, ClinGen allele CA369853687.